The following is an entry in ClinVar:

NM_003128.3(SPTBN1):c.3761A>G (p.Asp1254Gly)

Gene: SPTBN1 (spectrin beta, non-erythrocytic 1; plus strand). Cytogenetic location: 2p16.2.
Variant type: single nucleotide variant.
Coding change: c.3761A>G on transcript NM_003128.3 (MANE Select); coding-DNA position 3761, A replaced by G.
Protein change: p.Asp1254Gly; replaces aspartic acid 1254 with glycine.
Molecular consequence: missense variant.
Genome position (GRCh38, 1-based): chr2:54,632,762, A>G. VCF-style: chr2-54632762-A-G. GRCh37 (hg19) VCF-style: chr2-54859899-A-G.
Other names: c.3722A>G, p.Asp1241Gly (NM_178313.3); short protein forms D1241G, D1254G.
Identifiers: ClinVar variation 3384650 (VCV003384650.1).

ClinVar aggregate classification (germline): Uncertain significance (1 of 4 stars; one submission).

Submission:

GeneDx
Classification: Uncertain significance. Last evaluated: 2024-06-03. Review status: criteria provided, single submitter. Criteria: GeneDx Variant Classification Process June 2021. Collection method: clinical testing. Allele origin: germline. Affected: yes.
Comment: Not observed at significant frequency in large population cohorts (gnomAD); In silico analysis supports that this missense variant has a deleterious effect on protein structure/function; Has not been previously published as pathogenic or benign to our knowledge